The following is an entry in ClinVar:

NM_021614.4(KCNN2):c.1015C>T (p.Leu339=)

Gene: KCNN2 (potassium calcium-activated channel subfamily N member 2; plus strand). Cytogenetic location: 5q22.3.
Variant type: single nucleotide variant.
Coding change: c.1015C>T on transcript NM_021614.4 (MANE Select); coding-DNA position 1015, C replaced by T.
Protein change: p.Leu339=; no amino-acid change (leucine 339 retained).
Molecular consequence: synonymous variant. On other transcripts: non-coding transcript variant (1).
Genome position (GRCh38, 1-based): chr5:114,363,154, C>T. VCF-style: chr5-114363154-C-T. GRCh37 (hg19) VCF-style: chr5-113698851-C-T.
Other names: c.1213C>T, p.Leu405= (NM_001372233.1).
Identifiers: ClinVar variation 3026220 (VCV003026220.22), dbSNP rs753859198, ClinGen allele CA3372857.

ClinVar aggregate classification (germline): Likely benign (1 of 4 stars; one submission).

Allele frequency attached by ClinVar (database versions not stated): gnomAD 0.00001; ExAC 0.00002; TOPMed 0.00002.
gnomAD v4.1: 9 of 1,613,438 alleles (0.00056%); highest among the groups gnomAD compares: East Asian, 0.0089%; no homozygotes.

Submission:

CeGaT Center for Human Genetics Tuebingen
Classification: Likely benign. Last evaluated: 2024-01-01. Review status: criteria provided, single submitter. Criteria: CeGaT Center For Human Genetics Tuebingen Variant Classification Criteria Version 2. Collection method: clinical testing. Allele origin: germline. Affected: yes. Observed: 1 variant allele.
Comment: KCNN2: BP4, BP7